The following is an entry in ClinVar:

NM_052947.4(ALPK2):c.441T>C (p.Tyr147=)

Gene: ALPK2 (alpha kinase 2; minus strand). Cytogenetic location: 18q21.31.
Variant type: single nucleotide variant.
Coding change: c.441T>C on transcript NM_052947.4 (MANE Select); coding-DNA position 441, T replaced by C.
Protein change: p.Tyr147=; no amino-acid change (tyrosine 147 retained).
Molecular consequence: synonymous variant.
Genome position (GRCh38, 1-based): chr18:58,580,335, A>G on the plus strand (T>C on the coding strand, the complement: ALPK2 is on the minus strand). VCF-style: chr18-58580335-A-G. GRCh37 (hg19) VCF-style: chr18-56247567-A-G.
Identifiers: ClinVar variation 3059027 (VCV003059027.2), dbSNP rs9956630, ClinGen allele CA8977448.

ClinVar aggregate classification (germline): Benign (0 of 4 stars; one submission).

Conditions:
ALPK2-related disorder. Also called: ALPK2-related condition.

Allele frequency attached by ClinVar (database versions not stated): TOPMed 0.44960; ESP Exome Variant Server 0.45052; gnomAD 0.45938; 1000 Genomes Project 30x 0.48032; 1000 Genomes Project 0.48283; gnomAD exomes 0.49773; ExAC 0.50028.
gnomAD v4.1: 797,082 of 1,613,848 alleles (49%); highest among the groups gnomAD compares: East Asian, 58%; 198,884 homozygotes.

Submission:

PreventionGenetics, part of Exact Sciences
Classification: Benign for ALPK2-related condition. Last evaluated: 2019-10-17. Review status: no assertion criteria provided. Collection method: clinical testing. Allele origin: germline.
Comment: This variant is classified as benign based on ACMG/AMP sequence variant interpretation guidelines (Richards et al. 2015 PMID: 25741868, with internal and published modifications).